The following is an entry in ClinVar:

NM_001018113.3(FANCB):c.1118A>G (p.Asp373Gly)

Gene: FANCB (FA complementation group B; minus strand). Cytogenetic location: Xp22.2.
Variant type: single nucleotide variant.
Coding change: c.1118A>G on transcript NM_001018113.3 (MANE Select); coding-DNA position 1118, A replaced by G.
Protein change: p.Asp373Gly; replaces aspartic acid 373 with glycine.
Molecular consequence: missense variant.
Genome position (GRCh38, 1-based): chrX:14,857,941, T>C on the plus strand (A>G on the coding strand, the complement: FANCB is on the minus strand). VCF-style: chrX-14857941-T-C. GRCh37 (hg19) VCF-style: chrX-14876063-T-C.
Other names: c.1118A>G (NM_001018113.2); c.1118A>G, p.Asp373Gly (NM_001324162.2, NM_152633.4); short protein forms D373G.
Identifiers: ClinVar variation 1024072 (VCV001024072.10), dbSNP rs866138487, ClinGen allele CA327062572.

ClinVar aggregate classification (germline): Uncertain significance. Review status: criteria provided, multiple submitters, no conflicts (2 of 4 stars). 3 submissions from 3 submitters: Uncertain significance (3). Last evaluated 2025-07-07.

Conditions:
FANCB-related disorder. Also called: FANCB-related condition.
Fanconi anemia complementation group B (FANCB). Also called: FANCONI PANCYTOPENIA, TYPE 2; FANCB-Related Fanconi Anemia. Identifiers: Orphanet 84, MedGen C1845292, MONDO:0010351, OMIM 300514.
Fanconi anemia (FA). Also called: Fanconi's anemia. Identifiers: Orphanet 84, MedGen C0015625, MeSH D005199, MONDO:0019391.

Allele frequency attached by ClinVar (database versions not stated): gnomAD exomes 0.00001 and 0.00004; TOPMed 0.00002.

Submissions (3):

Labcorp Genetics (formerly Invitae), Labcorp
Classification: Uncertain significance for Fanconi anemia. Last evaluated: 2025-07-07. Review status: criteria provided, single submitter. Criteria: Invitae Variant Classification Sherloc (09022015). Collection method: clinical testing. Allele origin: germline.
Comment: This sequence change replaces aspartic acid, which is acidic and polar, with glycine, which is neutral and non-polar, at codon 373 of the FANCB protein (p.Asp373Gly). This variant is present in population databases (no rsID available, gnomAD 0.03%). This variant has not been reported in the literature in individuals affected with FANCB-related conditions. ClinVar contains an entry for this variant (Variation ID: 1024072). Invitae Evidence Modeling of protein sequence and biophysical properties (such as structural, functional, and spatial information, amino acid conservation, physicochemical variation, residue mobility, and thermodynamic stability) indicates that this missense variant is expected to disrupt FANCB protein function with a positive predictive value of 80%. In summary, the available evidence is currently insufficient to determine the role of this variant in disease. Therefore, it has been classified as a Variant of Uncertain Significance.

PreventionGenetics, part of Exact Sciences
Classification: Uncertain significance for FANCB-related condition. Last evaluated: 2025-04-11. Review status: criteria provided, single submitter. Criteria: ACMG Guidelines, 2015. Collection method: clinical testing. Allele origin: germline.
Comment: The FANCB c.1118A>G variant is predicted to result in the amino acid substitution p.Asp373Gly. To our knowledge, this variant has not been reported in the literature. This variant is reported in 0.029% of alleles in individuals of Latino descent in gnomAD. At this time, the clinical significance of this variant is uncertain due to the absence of conclusive functional and genetic evidence.

Fulgent Genetics
Classification: Uncertain significance for Fanconi anemia complementation group B. Last evaluated: 2024-01-23. Review status: criteria provided, single submitter. Criteria: ACMG Guidelines, 2015. Collection method: clinical testing. Allele origin: germline.